The following is an entry in ClinVar:

ClinVar aggregate classification (germline): Uncertain significance (1 of 4 stars; one submission).

Allele frequency attached by ClinVar (database versions not stated): TOPMed below 0.00001; ExAC 0.00001; gnomAD 0.00001; gnomAD exomes 0.00001.
gnomAD v4.1: 17 of 1,591,334 alleles (0.0011%); highest among the groups gnomAD compares: Middle Eastern, 0.017%; no homozygotes.

Submission:

Ambry Genetics
Classification: Uncertain significance. Last evaluated: 2025-02-02. Review status: criteria provided, single submitter. Criteria: Ambry Variant Classification Scheme 2023. Collection method: clinical testing. Allele origin: germline.
Comment: The p.A997T variant (also known as c.2989G>A), located in coding exon 11 of the WNK2 gene, results from a G to A substitution at nucleotide position 2989. The alanine at codon 997 is replaced by threonine, an amino acid with similar properties. This amino acid position is conserved. In addition, this alteration is predicted to be tolerated by in silico analysis. Based on the available evidence, the clinical significance of this variant remains unclear.

NM_006648.4(WNK2):c.2989G>A (p.Ala997Thr)

Gene: WNK2 (WNK lysine deficient protein kinase 2; plus strand). Cytogenetic location: 9q22.31.
Variant type: single nucleotide variant.
Coding change: c.2989G>A on transcript NM_006648.4 (MANE Select); coding-DNA position 2989, G replaced by A.
Protein change: p.Ala997Thr; replaces alanine 997 with threonine.
Molecular consequence: missense variant.
Genome position (GRCh38, 1-based): chr9:93,259,537, G>A. VCF-style: chr9-93259537-G-A. GRCh37 (hg19) VCF-style: chr9-96021819-G-A.
Other names: c.2989G>A, p.Ala997Thr (NM_001282394.3); short protein forms A997T.
Identifiers: ClinVar variation 3190629 (VCV003190629.2), dbSNP rs748423242, ClinGen allele CA5129799.